The following is an entry in ClinVar:

ClinVar aggregate classification (germline): Likely benign. Review status: criteria provided, multiple submitters, no conflicts (2 of 4 stars). 3 submissions from 3 submitters: Likely benign (3). Last evaluated 2025-05-27.

Allele frequency attached by ClinVar (database versions not stated): ExAC 0.00004; TOPMed 0.00007; gnomAD 0.00009; ESP Exome Variant Server 0.00023.
gnomAD v4.1: 48 of 1,614,106 alleles (0.003%); highest among the groups gnomAD compares: Non-Finnish European, 0.0036%; no homozygotes.

Submissions (3):

Mayo Clinic Laboratories, Mayo Clinic
Classification: Likely benign. Last evaluated: 2025-05-27. Review status: criteria provided, single submitter. Criteria: ACMG Guidelines, 2015. Collection method: clinical testing. Allele origin: germline. Observed: 1 variant allele.
Comment: BP4, BP7, PM2_supporting

Labcorp Genetics (formerly Invitae), Labcorp
Classification: Likely benign. Last evaluated: 2025-05-14. Review status: criteria provided, single submitter. Criteria: Invitae Variant Classification Sherloc (09022015). Collection method: clinical testing. Allele origin: germline.

CeGaT Center for Human Genetics Tuebingen
Classification: Likely benign. Last evaluated: 2023-03-01. Review status: criteria provided, single submitter. Criteria: CeGaT Center For Human Genetics Tuebingen Variant Classification Criteria Version 2. Collection method: clinical testing. Allele origin: germline. Affected: yes. Observed: 1 variant allele.
Comment: PKLR: BP4, BP7

NM_000298.6(PKLR):c.1170T>C (p.Asp390=)

Gene: PKLR (pyruvate kinase L/R; minus strand). Cytogenetic location: 1q22.
Variant type: single nucleotide variant.
Coding change: c.1170T>C on transcript NM_000298.6 (MANE Select); coding-DNA position 1170, T replaced by C.
Protein change: p.Asp390=; no amino-acid change (aspartic acid 390 retained).
Molecular consequence: synonymous variant.
Genome position (GRCh38, 1-based): chr1:155,293,537, A>G on the plus strand (T>C on the coding strand, the complement: PKLR is on the minus strand). VCF-style: chr1-155293537-A-G. GRCh37 (hg19) VCF-style: chr1-155263328-A-G.
Other names: p.Asp390=; c.1077T>C, p.Asp359= (NM_181871.4).
Identifiers: ClinVar variation 2174927 (VCV002174927.29), dbSNP rs141596564, ClinGen allele CA1144076.